The following is an entry in ClinVar:

ClinVar aggregate classification (germline): Uncertain significance. Review status: criteria provided, single submitter (1 of 4 stars). 2 submissions from 2 submitters: Uncertain significance (1). 1 of the submissions does not count toward it. Last evaluated 2024-09-05.

Conditions:
PLXNA2-related disorder. Also called: PLXNA2-related condition.

Allele frequency attached by ClinVar (database versions not stated): gnomAD exomes 0.00001; ExAC 0.00002; gnomAD 0.00003; TOPMed 0.00008.
gnomAD v4.1: 19 of 1,613,992 alleles (0.0012%); highest among the groups gnomAD compares: Middle Eastern, 0.049%; no homozygotes.

Submissions (2):

Ambry Genetics
Classification: Uncertain significance. Last evaluated: 2024-09-05. Review status: criteria provided, single submitter. Criteria: Ambry Variant Classification Scheme 2023. Collection method: clinical testing. Allele origin: germline.

PreventionGenetics, part of Exact Sciences
Classification: Uncertain significance for PLXNA2-related condition. Last evaluated: 2024-03-14. Review status: no assertion criteria provided. Collection method: clinical testing. Allele origin: germline. Not counted in ClinVar's aggregate classification.
Comment: The PLXNA2 c.2896G>A variant is predicted to result in the amino acid substitution p.Glu966Lys. To our knowledge, this variant has not been reported in the literature. This variant is reported in 0.0040% of alleles in individuals of African descent in gnomAD. At this time, the clinical significance of this variant is uncertain due to the absence of conclusive functional and genetic evidence.

NM_025179.4(PLXNA2):c.2896G>A (p.Glu966Lys)

Gene: PLXNA2 (plexin A2; minus strand). Cytogenetic location: 1q32.2.
Variant type: single nucleotide variant.
Coding change: c.2896G>A on transcript NM_025179.4 (MANE Select); coding-DNA position 2896, G replaced by A.
Protein change: p.Glu966Lys; replaces glutamic acid 966 with lysine.
Molecular consequence: missense variant.
Genome position (GRCh38, 1-based): chr1:208,052,424, C>T on the plus strand (G>A on the coding strand, the complement: PLXNA2 is on the minus strand). VCF-style: chr1-208052424-C-T. GRCh37 (hg19) VCF-style: chr1-208225769-C-T.
Other names: short protein forms E966K.
Identifiers: ClinVar variation 3031685 (VCV003031685.3), dbSNP rs776941937, ClinGen allele CA1373357.
Genomic context (GRCh38, chr1:208,052,424, plus strand): 5'-CCACGCTGCTCCCAGCCCCAAGGTAATGGCCGGTAATGGTCACCATAGTGCCTCCTGACT[C>T]GGGACCTCGGATTGGGTTGAGTGACAGCACAGAAGGGTTCTTTGGAAAGAAGCAGAGAAA-3'
Protein context (NP_079455.3, residues 956-976): VLSLNPIRGP[Glu966Lys]SGGTMVTITG